The following is an entry in ClinVar:

NM_001366385.1(CARD14):c.2388C>A (p.Ser796Arg)

Genes: SGSH (N-sulfoglucosamine sulfohydrolase; minus strand), CARD14 (caspase recruitment domain family member 14; plus strand). Cytogenetic location: 17q25.3.
Variant type: single nucleotide variant.
Coding change: c.2388C>A on transcript NM_001366385.1 (MANE Select); coding-DNA position 2388, C replaced by A.
Protein change: p.Ser796Arg; replaces serine 796 with arginine.
Molecular consequence: missense variant. On other transcripts: non-coding transcript variant (1).
Genome position (GRCh38, 1-based): chr17:80,204,331, C>A. VCF-style: chr17-80204331-C-A. GRCh37 (hg19) VCF-style: chr17-78178130-C-A.
Other names: c.2388C>A, p.Ser796Arg (NM_024110.4); short protein forms S796R.
Identifiers: ClinVar variation 1377266 (VCV001377266.6), dbSNP rs781104146, ClinGen allele CA294882285.

ClinVar aggregate classification (germline): Uncertain significance (1 of 4 stars; one submission).

Conditions:
Psoriasis 2. Identifiers: MedGen C1864497, MONDO:0011269, OMIM 602723.
Pityriasis rubra pilaris (PRP). Also called: Pityriasis rubra pilaris--familial type. Identifiers: Orphanet 2897, MedGen C0032027, MONDO:0100017, OMIM 173200, MONDO:0008251.

Allele frequency attached by ClinVar (database versions not stated): TOPMed below 0.00001; gnomAD 0.00001.
gnomAD v4.1: 3 of 1,576,058 alleles (0.00019%); highest among the groups gnomAD compares: Non-Finnish European, 0.00026%; no homozygotes.

Submission:

Labcorp Genetics (formerly Invitae), Labcorp
Classification: Uncertain significance for Pityriasis rubra pilaris; Psoriasis 2. Last evaluated: 2024-12-03. Review status: criteria provided, single submitter. Criteria: Invitae Variant Classification Sherloc (09022015). Collection method: clinical testing. Allele origin: germline.
Comment: This sequence change replaces serine, which is neutral and polar, with arginine, which is basic and polar, at codon 796 of the CARD14 protein (p.Ser796Arg). This variant is present in population databases (rs781104146, gnomAD 0.007%). This variant has not been reported in the literature in individuals affected with CARD14-related conditions. ClinVar contains an entry for this variant (Variation ID: 1377266). Invitae Evidence Modeling of protein sequence and biophysical properties (such as structural, functional, and spatial information, amino acid conservation, physicochemical variation, residue mobility, and thermodynamic stability) indicates that this missense variant is not expected to disrupt CARD14 protein function with a negative predictive value of 95%. In summary, the available evidence is currently insufficient to determine the role of this variant in disease. Therefore, it has been classified as a Variant of Uncertain Significance.